The following is an entry in ClinVar:

ClinVar aggregate classification (germline): Pathogenic/Likely pathogenic. Review status: criteria provided, multiple submitters, no conflicts (2 of 4 stars). 3 submissions from 3 submitters: Pathogenic (1); Likely pathogenic (2). Last evaluated 2024-03-07.

Conditions:
FAM161A-related disorder. Also called: FAM161A-related condition.
Retinitis pigmentosa 28 (RP28). Identifiers: Orphanet 791, MedGen C1419614, MONDO:0011630, OMIM 606068.

Submissions (3):

Labcorp Genetics (formerly Invitae), Labcorp
Classification: Pathogenic. Last evaluated: 2024-03-07. Review status: criteria provided, single submitter. Criteria: Invitae Variant Classification Sherloc (09022015). Collection method: clinical testing. Allele origin: germline.
Comment: This sequence change creates a premature translational stop signal (p.Leu451Phefs*5) in the FAM161A gene. It is expected to result in an absent or disrupted protein product. Loss-of-function variants in FAM161A are known to be pathogenic (PMID: 20705278, 20705279, 24651477). This variant is not present in population databases (gnomAD no frequency). This variant has not been reported in the literature in individuals affected with FAM161A-related conditions. ClinVar contains an entry for this variant (Variation ID: 1452486). For these reasons, this variant has been classified as Pathogenic.

Baylor Genetics
Classification: Likely pathogenic for Retinitis pigmentosa 28. Last evaluated: 2023-09-19. Review status: criteria provided, single submitter. Criteria: ACMG Guidelines, 2015. Collection method: clinical testing. Allele origin: unknown.

Blueprint Genetics
Classification: Likely pathogenic for FAM161A-related disorders. Last evaluated: 2018-06-12. Review status: criteria provided, single submitter. Criteria: ACMG Guidelines, 2015. Collection method: clinical testing. Allele origin: germline. Affected: yes. Observed: 1 variant allele.

Literature cited by the submitters: PubMed 20705278 (cited by Labcorp Genetics (formerly Invitae), Labcorp); PubMed 20705279 (cited by Labcorp Genetics (formerly Invitae), Labcorp); PubMed 24651477 (cited by Labcorp Genetics (formerly Invitae), Labcorp).

NM_001201543.2(FAM161A):c.1352dup (p.Leu451fs)

Gene: FAM161A (FAM161 centrosomal protein A; minus strand). Cytogenetic location: 2p15.
Variant type: Duplication.
Coding change: c.1352dup on transcript NM_001201543.2 (MANE Select); coding-DNA position 1352, one base duplicated (T; older notation c.1352dupT).
Protein change: p.Leu451fs; shifts the reading frame from leucine 451.
Molecular consequence: frameshift variant. On other transcripts: non-coding transcript variant (1).
Genome position (GRCh38, 1-based): chr2:61,839,652, A duplicated on the plus strand (T on the coding strand, the reverse complement: FAM161A is on the minus strand); the first of 2 consecutive A bases (chr2:61,839,652-61,839,653); duplicating either gives the same sequence. VCF-style (leftmost placement, unchanged base first): chr2-61839651-T-TA. GRCh37 (hg19) VCF-style: chr2-62066786-T-TA.
Other names: c.1352dup, p.Leu451fs (NM_032180.3); c.1352dup (NM_001201543.1); short protein forms L451fs.
Identifiers: ClinVar variation 1452486 (VCV001452486.8), dbSNP rs2105080977, ClinGen allele CA2573135074.
Genomic context (GRCh38, chr2:61,839,651, plus strand): 5'-TTTTTCTCTTTTAATAGATGCATGTGGAGATGCATGAAGATCAAATGGTTTACACACTGT[T>TA]AAGAGTTTTGGAGACTTGTGTTCTGAGAGGTGTTTCTGGTATCTCTCAGGAAGGTCCTCA-3'